The following is an entry in ClinVar:

ClinVar aggregate classification (germline): Uncertain significance (1 of 4 stars; one submission).

Conditions:
Conotruncal heart malformations (CTHM). Also called: Conotruncal heart malformations, variable. Identifiers: Orphanet 2445, Orphanet 3384, Orphanet 3426, MedGen C1857586, MONDO:0016581, OMIM 217095.

Allele frequency attached by ClinVar (database versions not stated): gnomAD 0.00001; TOPMed 0.00001.

Submission:

Labcorp Genetics (formerly Invitae), Labcorp
Classification: Uncertain significance for Conotruncal heart malformations. Last evaluated: 2022-04-04. Review status: criteria provided, single submitter. Criteria: Invitae Variant Classification Sherloc (09022015). Collection method: clinical testing. Allele origin: germline.
Comment: This sequence change replaces arginine, which is basic and polar, with glutamine, which is neutral and polar, at codon 149 of the NKX2-6 protein (p.Arg149Gln). This variant is present in population databases (rs781453291, gnomAD 0.005%). This variant has not been reported in the literature in individuals affected with NKX2-6-related conditions. Algorithms developed to predict the effect of missense changes on protein structure and function (SIFT, PolyPhen-2, Align-GVGD) all suggest that this variant is likely to be disruptive. In summary, the available evidence is currently insufficient to determine the role of this variant in disease. Therefore, it has been classified as a Variant of Uncertain Significance.

NM_001136271.3(NKX2-6):c.446G>A (p.Arg149Gln)

Gene: NKX2-6 (NK2 homeobox 6; minus strand). Cytogenetic location: 8p21.2.
Variant type: single nucleotide variant.
Coding change: c.446G>A on transcript NM_001136271.3 (MANE Select); coding-DNA position 446, G replaced by A.
Protein change: p.Arg149Gln; replaces arginine 149 with glutamine.
Molecular consequence: missense variant.
Genome position (GRCh38, 1-based): chr8:23,702,911, C>T on the plus strand (G>A on the coding strand, the complement: NKX2-6 is on the minus strand). VCF-style: chr8-23702911-C-T. GRCh37 (hg19) VCF-style: chr8-23560424-C-T.
Other names: short protein forms R149Q.
Identifiers: ClinVar variation 2080069 (VCV002080069.4), dbSNP rs781453291, ClinGen allele CA4677979.